The following is an entry in ClinVar:

ClinVar aggregate classification (germline): Uncertain significance (1 of 4 stars; one submission).

Submission:

GeneDx
Classification: Uncertain significance. Last evaluated: 2022-11-28. Review status: criteria provided, single submitter. Criteria: GeneDx Variant Classification Process June 2021. Collection method: clinical testing. Allele origin: germline. Affected: yes.
Comment: Not observed at significant frequency in large population cohorts (gnomAD); In silico analysis supports that this missense variant does not alter protein structure/function; Has not been previously published as pathogenic or benign to our knowledge

NM_001385012.1(NBEA):c.3248G>T (p.Gly1083Val)

Gene: NBEA (neurobeachin; plus strand). Cytogenetic location: 13q13.3.
Variant type: single nucleotide variant.
Coding change: c.3248G>T on transcript NM_001385012.1 (MANE Select); coding-DNA position 3248, G replaced by T.
Protein change: p.Gly1083Val; replaces glycine 1083 with valine.
Molecular consequence: missense variant.
Genome position (GRCh38, 1-based): chr13:35,159,419, G>T. VCF-style: chr13-35159419-G-T. GRCh37 (hg19) VCF-style: chr13-35733556-G-T.
Other names: c.3248G>T, p.Gly1083Val (NM_001379245.1, NM_015678.5); short protein forms G1083V.
Identifiers: ClinVar variation 2504469 (VCV002504469.1), dbSNP rs2503628222, ClinGen allele CA387837232.